The following is an entry in ClinVar:

ClinVar aggregate classification (germline): Uncertain significance. Review status: criteria provided, multiple submitters, no conflicts (2 of 4 stars). 5 submissions from 5 submitters: Uncertain significance (4). 1 of the submissions does not count toward it. Last evaluated 2024-05-28.

Conditions:
Hereditary spastic paraplegia 49 (HSAN9). Also called: Spastic paraplegia 49, autosomal recessive; TECPR2-Related Hereditary Sensory and Autonomic Neuropathy with Intellectual Disability; NEUROPATHY, HEREDITARY SENSORY AND AUTONOMIC, TYPE IX, WITH DEVELOPMENTAL DELAY. Identifiers: Orphanet 320385, MedGen C5190860, MONDO:0014016, OMIM 615031.
Hereditary spastic paraplegia. Also called: Familial spastic paraparesis. Identifiers: Orphanet 685, MedGen C0037773, MONDO:0019064. Disease mechanism: loss of function.

Allele frequency attached by ClinVar (database versions not stated): gnomAD 0.00011 and 0.00012; gnomAD exomes 0.00012 and 0.00008; ESP Exome Variant Server 0.00023; ExAC 0.00008; TOPMed 0.00010.
gnomAD v4.1: 201 of 1,613,720 alleles (0.012%); highest among the groups gnomAD compares: Non-Finnish European, 0.016%; no homozygotes.

Submissions (5):

Mayo Clinic Laboratories, Mayo Clinic
Classification: Uncertain significance. Last evaluated: 2024-05-28. Review status: criteria provided, single submitter. Criteria: ACMG Guidelines, 2015. Collection method: clinical testing. Allele origin: germline. Observed: 1 variant allele.

CeGaT Center for Human Genetics Tuebingen
Classification: Uncertain significance. Last evaluated: 2023-04-01. Review status: criteria provided, single submitter. Criteria: CeGaT Center For Human Genetics Tuebingen Variant Classification Criteria Version 2. Collection method: clinical testing. Allele origin: germline. Affected: yes. Observed: 1 variant allele.

Labcorp Genetics (formerly Invitae), Labcorp
Classification: Uncertain significance for Hereditary spastic paraplegia 49. Last evaluated: 2022-08-20. Review status: criteria provided, single submitter. Criteria: Invitae Variant Classification Sherloc (09022015). Collection method: clinical testing. Allele origin: germline.
Comment: This sequence change replaces glycine, which is neutral and non-polar, with valine, which is neutral and non-polar, at codon 1266 of the TECPR2 protein (p.Gly1266Val). This variant is present in population databases (rs201704673, gnomAD 0.02%). This variant has not been reported in the literature in individuals affected with TECPR2-related conditions. ClinVar contains an entry for this variant (Variation ID: 572101). Algorithms developed to predict the effect of missense changes on protein structure and function are either unavailable or do not agree on the potential impact of this missense change (SIFT: "Deleterious"; PolyPhen-2: "Probably Damaging"; Align-GVGD: "Class C0"). In summary, the available evidence is currently insufficient to determine the role of this variant in disease. Therefore, it has been classified as a Variant of Uncertain Significance.

Genome Diagnostics Laboratory, The Hospital for Sick Children
Classification: Uncertain significance for Hereditary spastic paraplegia. Last evaluated: 2019-02-01. Review status: criteria provided, single submitter. Criteria: ACMG Guidelines, 2015. Collection method: clinical testing. Allele origin: germline. Affected: yes.

Natera, Inc.
Classification: Uncertain significance for Autosomal recessive spastic paraplegia type 49. Last evaluated: 2020-09-16. Review status: no assertion criteria provided. Collection method: clinical testing. Allele origin: germline. Not counted in ClinVar's aggregate classification.

NM_014844.5(TECPR2):c.3797G>T (p.Gly1266Val)

Gene: TECPR2 (tectonin beta-propeller repeat containing 2; plus strand). Cytogenetic location: 14q32.31.
Variant type: single nucleotide variant.
Coding change: c.3797G>T on transcript NM_014844.5 (MANE Select); coding-DNA position 3797, G replaced by T.
Protein change: p.Gly1266Val; replaces glycine 1266 with valine.
Molecular consequence: missense variant.
Genome position (GRCh38, 1-based): chr14:102,496,986, G>T. VCF-style: chr14-102496986-G-T. GRCh37 (hg19) VCF-style: chr14-102963323-G-T.
Other names: p.Gly1266Val; c.3797G>T (NM_014844.4); short protein forms G1266V.
Identifiers: ClinVar variation 572101 (VCV000572101.35), dbSNP rs201704673, ClinGen allele CA7358358.